The following is an entry in ClinVar:

ClinVar aggregate classification (germline): Uncertain significance (1 of 4 stars; one submission).

Conditions:
Immunodeficiency due to CD25 deficiency. Also called: IMMUNODEFICIENCY 41 WITH LYMPHOPROLIFERATION AND AUTOIMMUNITY; CD25 DEFICIENCY; IL2RA DEFICIENCY. Identifiers: Orphanet 169100, MedGen C1853392, MONDO:0011664, OMIM 606367.

Submission:

Labcorp Genetics (formerly Invitae), Labcorp
Classification: Uncertain significance for Immunodeficiency due to CD25 deficiency. Last evaluated: 2022-02-28. Review status: criteria provided, single submitter. Criteria: Invitae Variant Classification Sherloc (09022015). Collection method: clinical testing. Allele origin: germline.
Comment: Algorithms developed to predict the effect of missense changes on protein structure and function are either unavailable or do not agree on the potential impact of this missense change (SIFT: "Deleterious"; PolyPhen-2: "Benign"; Align-GVGD: "Class C65"). In summary, the available evidence is currently insufficient to determine the role of this variant in disease. Therefore, it has been classified as a Variant of Uncertain Significance. This variant has not been reported in the literature in individuals affected with IL2RA-related conditions. This variant is not present in population databases (gnomAD no frequency). This sequence change replaces proline, which is neutral and non-polar, with glutamine, which is neutral and polar, at codon 130 of the IL2RA protein (p.Pro130Gln).

NM_000417.3(IL2RA):c.389C>A (p.Pro130Gln)

Gene: IL2RA (interleukin 2 receptor subunit alpha; minus strand). Cytogenetic location: 10p15.1.
Variant type: single nucleotide variant.
Coding change: c.389C>A on transcript NM_000417.3 (MANE Select); coding-DNA position 389, C replaced by A.
Protein change: p.Pro130Gln; replaces proline 130 with glutamine.
Molecular consequence: missense variant. On other transcripts: intron variant (2).
Genome position (GRCh38, 1-based): chr10:6,021,672, G>T on the plus strand (C>A on the coding strand, the complement: IL2RA is on the minus strand). VCF-style: chr10-6021672-G-T. GRCh37 (hg19) VCF-style: chr10-6063635-G-T.
Other names: c.368-2173C>A (NM_001308243.2); c.368-1731C>A (NM_001308242.2); short protein forms P130Q.
Identifiers: ClinVar variation 2104652 (VCV002104652.4), dbSNP rs1401837237, ClinGen allele CA375926913.